The following is an entry in ClinVar:

ClinVar aggregate classification (germline): Uncertain significance (1 of 4 stars; one submission).

Allele frequency attached by ClinVar (database versions not stated): gnomAD exomes below 0.00001.
gnomAD v4.1: 1 of 1,612,974 alleles (0.000062%); highest among the groups gnomAD compares: Non-Finnish European, 0.000085%; no homozygotes.

Submission:

Labcorp Genetics (formerly Invitae), Labcorp
Classification: Uncertain significance. Last evaluated: 2023-06-16. Review status: criteria provided, single submitter. Criteria: Invitae Variant Classification Sherloc (09022015). Collection method: clinical testing. Allele origin: germline.
Comment: In summary, the available evidence is currently insufficient to determine the role of this variant in disease. Therefore, it has been classified as a Variant of Uncertain Significance. An algorithm developed to predict the effect of missense changes on protein structure and function (PolyPhen-2) suggests that this variant is likely to be disruptive. This variant has not been reported in the literature in individuals affected with COL9A3-related conditions. This variant is not present in population databases (gnomAD no frequency). This sequence change replaces glycine, which is neutral and non-polar, with aspartic acid, which is acidic and polar, at codon 283 of the COL9A3 protein (p.Gly283Asp).

NM_001853.4(COL9A3):c.848G>A (p.Gly283Asp)

Gene: COL9A3 (collagen type IX alpha 3 chain; plus strand). Cytogenetic location: 20q13.33.
Variant type: single nucleotide variant.
Coding change: c.848G>A on transcript NM_001853.4 (MANE Select); coding-DNA position 848, G replaced by A.
Protein change: p.Gly283Asp; replaces glycine 283 with aspartic acid.
Molecular consequence: missense variant.
Genome position (GRCh38, 1-based): chr20:62,827,924, G>A. VCF-style: chr20-62827924-G-A. GRCh37 (hg19) VCF-style: chr20-61459276-G-A.
Other names: short protein forms G283D.
Identifiers: ClinVar variation 2712329 (VCV002712329.3), dbSNP rs2516051671, ClinGen allele CA409592642.